The following is an entry in ClinVar:

NM_004484.4(GPC3):c.1639A>G (p.Asn547Asp)

Gene: GPC3 (glypican 3; minus strand). Cytogenetic location: Xq26.2.
Variant type: single nucleotide variant.
Coding change: c.1639A>G on transcript NM_004484.4 (MANE Select); coding-DNA position 1639, A replaced by G.
Protein change: p.Asn547Asp; replaces asparagine 547 with aspartic acid.
Molecular consequence: missense variant.
Genome position (GRCh38, 1-based): chrX:133,536,228, T>C on the plus strand (A>G on the coding strand, the complement: GPC3 is on the minus strand). VCF-style: chrX-133536228-T-C. GRCh37 (hg19) VCF-style: chrX-132670256-T-C.
Other names: c.1708A>G, p.Asn570Asp (NM_001164617.2); c.1591A>G, p.Asn531Asp (NM_001164618.2); c.1477A>G, p.Asn493Asp (NM_001164619.2); short protein forms N493D, N547D, N531D, N570D.
Identifiers: ClinVar variation 1433895 (VCV001433895.6), dbSNP rs773437908, ClinGen allele CA10520636.

ClinVar aggregate classification (germline): Uncertain significance (1 of 4 stars; one submission).

Conditions:
Wilms tumor 1 (WT1). Also called: Wilms tumor, somatic. Identifiers: Orphanet 654, MedGen CN033288, MONDO:0008679, OMIM 194070.

Allele frequency attached by ClinVar (database versions not stated): gnomAD exomes 0.00001 and 0.00002; ExAC 0.00005.
gnomAD v4.1: 10 of 1,203,494 alleles (0.00083%); highest among the groups gnomAD compares: Non-Finnish European, 0.00056%; no homozygotes.

Submission:

Labcorp Genetics (formerly Invitae), Labcorp
Classification: Uncertain significance for Wilms tumor 1. Last evaluated: 2022-06-15. Review status: criteria provided, single submitter. Criteria: Invitae Variant Classification Sherloc (09022015). Collection method: clinical testing. Allele origin: germline.
Comment: In summary, the available evidence is currently insufficient to determine the role of this variant in disease. Therefore, it has been classified as a Variant of Uncertain Significance. Algorithms developed to predict the effect of missense changes on protein structure and function (SIFT, PolyPhen-2, Align-GVGD) all suggest that this variant is likely to be tolerated. This variant has not been reported in the literature in individuals affected with GPC3-related conditions. This variant is present in population databases (rs773437908, gnomAD 0.006%), including at least one homozygous and/or hemizygous individual. This sequence change replaces asparagine, which is neutral and polar, with aspartic acid, which is acidic and polar, at codon 547 of the GPC3 protein (p.Asn547Asp).